The following is an entry in ClinVar:

NM_015559.3(SETBP1):c.4112C>T (p.Thr1371Ile)

Gene: SETBP1 (SET binding protein 1; plus strand). Cytogenetic location: 18q12.3.
Variant type: single nucleotide variant.
Coding change: c.4112C>T on transcript NM_015559.3 (MANE Select); coding-DNA position 4112, C replaced by T.
Protein change: p.Thr1371Ile; replaces threonine 1371 with isoleucine.
Molecular consequence: missense variant.
Genome position (GRCh38, 1-based): chr18:45,038,596, C>T. VCF-style: chr18-45038596-C-T. GRCh37 (hg19) VCF-style: chr18-42618561-C-T.
Other names: c.4112C>T, p.Thr1371Ile (NM_001379141.1, NM_001379142.1); short protein forms T1371I.
Identifiers: ClinVar variation 1363708 (VCV001363708.8), dbSNP rs2073447126, ClinGen allele CA402482549.

ClinVar aggregate classification (germline): Uncertain significance (1 of 4 stars; one submission).

Submission:

Labcorp Genetics (formerly Invitae), Labcorp
Classification: Uncertain significance. Last evaluated: 2021-06-25. Review status: criteria provided, single submitter. Criteria: Invitae Variant Classification Sherloc (09022015). Collection method: clinical testing. Allele origin: germline.
Comment: This sequence change replaces threonine with isoleucine at codon 1371 of the SETBP1 protein (p.Thr1371Ile). The threonine residue is weakly conserved and there is a moderate physicochemical difference between threonine and isoleucine. This variant is not present in population databases (ExAC no frequency). This variant has not been reported in the literature in individuals affected with SETBP1-related conditions. Algorithms developed to predict the effect of missense changes on protein structure and function are either unavailable or do not agree on the potential impact of this missense change (SIFT: "Deleterious"; PolyPhen-2: "Benign"; Align-GVGD: "Class C0"). In summary, the available evidence is currently insufficient to determine the role of this variant in disease. Therefore, it has been classified as a Variant of Uncertain Significance.